The following is an entry in ClinVar:

ClinVar aggregate classification (germline): Uncertain significance. Review status: criteria provided, multiple submitters, no conflicts (2 of 4 stars). 2 submissions from 2 submitters: Uncertain significance (2). Last evaluated 2023-12-11.

Conditions:
Inborn genetic diseases. Identifiers: MedGen C0950123, MeSH D030342.

Allele frequency attached by ClinVar (database versions not stated): gnomAD 0.00001; TOPMed 0.00003.
gnomAD v4.1: 11 of 1,613,870 alleles (0.00068%); highest among the groups gnomAD compares: East Asian, 0.025%; no homozygotes.

Submissions (2):

Ambry Genetics
Classification: Uncertain significance for Inborn genetic diseases. Last evaluated: 2023-12-11. Review status: criteria provided, single submitter. Criteria: Ambry Variant Classification Scheme 2023. Collection method: clinical testing. Allele origin: germline.

GeneDx
Classification: Uncertain significance. Last evaluated: 2023-03-16. Review status: criteria provided, single submitter. Criteria: GeneDx Variant Classification Process June 2021. Collection method: clinical testing. Allele origin: germline. Affected: yes.
Comment: In silico analysis supports that this missense variant has a deleterious effect on protein structure/function; Has not been previously published as pathogenic or benign to our knowledge

NM_002180.3(IGHMBP2):c.305C>A (p.Ala102Asp)

Gene: IGHMBP2 (immunoglobulin mu DNA binding protein 2; plus strand). Cytogenetic location: 11q13.3.
Variant type: single nucleotide variant.
Coding change: c.305C>A on transcript NM_002180.3 (MANE Select); coding-DNA position 305, C replaced by A.
Protein change: p.Ala102Asp; replaces alanine 102 with aspartic acid.
Molecular consequence: missense variant.
Genome position (GRCh38, 1-based): chr11:68,908,193, C>A. VCF-style: chr11-68908193-C-A. GRCh37 (hg19) VCF-style: chr11-68675661-C-A.
Other names: short protein forms A102D.
Identifiers: ClinVar variation 1799336 (VCV001799336.3), dbSNP rs763391719, ClinGen allele CA6153256.